The following is an entry in ClinVar:

ClinVar aggregate classification (germline): Uncertain significance (1 of 4 stars; one submission).

Submission:

Labcorp Genetics (formerly Invitae), Labcorp
Classification: Uncertain significance. Last evaluated: 2025-05-17. Review status: criteria provided, single submitter. Criteria: Invitae Variant Classification Sherloc (09022015). Collection method: clinical testing. Allele origin: germline.
Comment: This sequence change replaces proline, which is neutral and non-polar, with arginine, which is basic and polar, at codon 213 of the BRD4 protein (p.Pro213Arg). This variant is not present in population databases (gnomAD no frequency). This variant has not been reported in the literature in individuals affected with BRD4-related conditions. Invitae Evidence Modeling of protein sequence and biophysical properties (such as structural, functional, and spatial information, amino acid conservation, physicochemical variation, residue mobility, and thermodynamic stability) indicates that this missense variant is not expected to disrupt BRD4 protein function with a negative predictive value of 80%. In summary, the available evidence is currently insufficient to determine the role of this variant in disease. Therefore, it has been classified as a Variant of Uncertain Significance.

NM_001379291.1(BRD4):c.638C>G (p.Pro213Arg)

Gene: BRD4 (bromodomain containing 4; minus strand). Cytogenetic location: 19p13.12.
Variant type: single nucleotide variant.
Coding change: c.638C>G on transcript NM_001379291.1 (MANE Select); coding-DNA position 638, C replaced by G.
Protein change: p.Pro213Arg; replaces proline 213 with arginine.
Molecular consequence: missense variant.
Genome position (GRCh38, 1-based): chr19:15,265,565, G>C on the plus strand (C>G on the coding strand, the complement: BRD4 is on the minus strand). VCF-style: chr19-15265565-G-C. GRCh37 (hg19) VCF-style: chr19-15376376-G-C.
Other names: c.638C>G, p.Pro213Arg (NM_001330384.2, NM_001379292.1, NM_014299.3 and 1 more transcripts); short protein forms P213R.
Identifiers: ClinVar variation 4744751 (VCV004744751.1).
Genomic context (GRCh38, chr19:15,265,565, plus strand): 5'-ATGAGGTCCGGGGTGACGGCAGGGAAGGGGTGAGGCGTGGCCTGCACAGGAGGAGGATTC[G>C]GCTGAGGGGTCTGGGTCTGCGGAGGAGTCGATGCTTGAGTTGTGTTTGGTACCGTGGAAA-3'
Protein context (NP_001366220.1, residues 203-223): STPPQTQTPQ[Pro213Arg]NPPPVQATPH